The following is an entry in ClinVar:

ClinVar aggregate classification (germline): Uncertain significance (1 of 4 stars; one submission).

Conditions:
Inborn genetic diseases. Identifiers: MedGen C0950123, MeSH D030342.

Submission:

Ambry Genetics
Classification: Uncertain significance for Inborn genetic diseases. Last evaluated: 2025-05-21. Review status: criteria provided, single submitter. Criteria: Ambry Variant Classification Scheme 2023. Collection method: clinical testing. Allele origin: germline.
Comment: The p.A68S variant (also known as c.202G>T), located in coding exon 3 of the RECQL4 gene, results from a G to T substitution at nucleotide position 202. The alanine at codon 68 is replaced by serine, an amino acid with similar properties. This amino acid position is conserved. In addition, this alteration is predicted to be tolerated by in silico analysis. Based on the available evidence, the clinical significance of this variant remains unclear.

NM_004260.4(RECQL4):c.202G>T (p.Ala68Ser)

Gene: RECQL4 (RecQ like helicase 4; minus strand). Cytogenetic location: 8q24.3.
Variant type: single nucleotide variant.
Coding change: c.202G>T on transcript NM_004260.4 (MANE Select); coding-DNA position 202, G replaced by T.
Protein change: p.Ala68Ser; replaces alanine 68 with serine.
Molecular consequence: missense variant. On other transcripts: 5 prime UTR variant (16), non-coding transcript variant (3), intron variant (2).
Genome position (GRCh38, 1-based): chr8:144,517,425, C>A on the plus strand (G>T on the coding strand, the complement: RECQL4 is on the minus strand). VCF-style: chr8-144517425-C-A. GRCh37 (hg19) VCF-style: chr8-145742809-C-A.
Other names: c.202G>T, p.Ala68Ser (NM_001413017.1, NM_001413018.1, NM_001413019.1 and 5 more transcripts); c.-519G>T (NM_001413021.1); c.-870G>T (NM_001413022.1, NM_001413023.1, NM_001413037.1 and 2 more transcripts); c.-767G>T (NM_001413024.1, NM_001413035.1); c.-932G>T (NM_001413027.1, NM_001413030.1, NM_001413031.1 and 1 more transcripts); c.-595G>T (NM_001413028.1); c.-829G>T (NM_001413032.1); c.-774G>T (NM_001413034.1); and 3 more; short protein forms A68S.
Identifiers: ClinVar variation 3944332 (VCV003944332.1).
Genomic context (GRCh38, chr8:144,517,425, plus strand): 5'-CCGCCAAACAGGGAAGTGGGAGGAGGCTGGGGCGGCGGGGCCTGGGTACCTCTTCGGCCG[C>A]CGCGGGGAGCGACTCGGAGCTGCGGAGCCCGCCGCCGGCCTGGCCCGTGGTACGCTTCAG-3'
Protein context (NP_004251.4, residues 58-78): GLRSSESLPA[Ala68Ser]AEEAPEPRCW